The following is an entry in ClinVar:

NM_002470.4(MYH3):c.5563-2dup

Gene: MYH3 (myosin heavy chain 3; minus strand). Cytogenetic location: 17p13.1.
Variant type: Duplication.
Coding change: c.5563-2dup on transcript NM_002470.4 (MANE Select); the canonical splice acceptor site of the intron before coding-DNA position 5563, one base duplicated (A; older notation c.5563-2dupA).
Molecular consequence: splice acceptor variant.
Genome position (GRCh38, 1-based): chr17:10,629,939, T duplicated on the plus strand (A on the coding strand, the reverse complement: MYH3 is on the minus strand). VCF-style (leftmost placement, unchanged base first): chr17-10629938-C-CT. GRCh37 (hg19) VCF-style: chr17-10533255-C-CT.
Identifiers: ClinVar variation 3642102 (VCV003642102.2).

ClinVar aggregate classification (germline): Uncertain significance (1 of 4 stars; one submission).

Submission:

Labcorp Genetics (formerly Invitae), Labcorp
Classification: Uncertain significance. Last evaluated: 2024-07-12. Review status: criteria provided, single submitter. Criteria: Invitae Variant Classification Sherloc (09022015). Collection method: clinical testing. Allele origin: germline.
Comment: This sequence change falls in intron 38 of the MYH3 gene. It does not directly change the encoded amino acid sequence of the MYH3 protein. It affects a nucleotide within the consensus splice site. This variant is not present in population databases (gnomAD no frequency). This variant has not been reported in the literature in individuals affected with MYH3-related conditions. Variants that disrupt the consensus splice site are a relatively common cause of aberrant splicing (PMID: 17576681, 9536098). Algorithms developed to predict the effect of sequence changes on RNA splicing suggest that this variant may disrupt the consensus splice site. In summary, the available evidence is currently insufficient to determine the role of this variant in disease. Therefore, it has been classified as a Variant of Uncertain Significance.

Literature cited by the submitters: PubMed 17576681; PubMed 9536098.